The following is an entry in ClinVar:

ClinVar aggregate classification (germline): Uncertain significance. Review status: criteria provided, multiple submitters, no conflicts (2 of 4 stars). 2 submissions from 2 submitters: Uncertain significance (2). Last evaluated 2024-09-24.

Allele frequency attached by ClinVar (database versions not stated): ExAC 0.00002; gnomAD 0.00002 and 0.00006; gnomAD exomes 0.00002 and 0.00005; ESP Exome Variant Server 0.00008; TOPMed 0.00008.
gnomAD v4.1: 83 of 1,613,556 alleles (0.0051%); highest among the groups gnomAD compares: Non-Finnish European, 0.0061%; no homozygotes.

Submissions (2):

Ambry Genetics
Classification: Uncertain significance. Last evaluated: 2024-09-24. Review status: criteria provided, single submitter. Criteria: Ambry Variant Classification Scheme 2023. Collection method: clinical testing. Allele origin: germline.

Labcorp Genetics (formerly Invitae), Labcorp
Classification: Uncertain significance. Last evaluated: 2022-09-13. Review status: criteria provided, single submitter. Criteria: Invitae Variant Classification Sherloc (09022015). Collection method: clinical testing. Allele origin: germline.
Comment: This sequence change replaces leucine, which is neutral and non-polar, with methionine, which is neutral and non-polar, at codon 13 of the HMOX1 protein (p.Leu13Met). This variant is present in population databases (rs369762159, gnomAD 0.01%). This variant has not been reported in the literature in individuals affected with HMOX1-related conditions. ClinVar contains an entry for this variant (Variation ID: 1489593). Algorithms developed to predict the effect of missense changes on protein structure and function are either unavailable or do not agree on the potential impact of this missense change (SIFT: "Deleterious"; PolyPhen-2: "Probably Damaging"; Align-GVGD: "Class C0"). In summary, the available evidence is currently insufficient to determine the role of this variant in disease. Therefore, it has been classified as a Variant of Uncertain Significance.

NM_002133.3(HMOX1):c.37T>A (p.Leu13Met)

Gene: HMOX1 (heme oxygenase 1; plus strand). Cytogenetic location: 22q12.3.
Variant type: single nucleotide variant.
Coding change: c.37T>A on transcript NM_002133.3 (MANE Select); coding-DNA position 37, T replaced by A.
Protein change: p.Leu13Met; replaces leucine 13 with methionine.
Molecular consequence: missense variant.
Genome position (GRCh38, 1-based): chr22:35,383,119, T>A. VCF-style: chr22-35383119-T-A. GRCh37 (hg19) VCF-style: chr22-35779112-T-A.
Other names: c.37T>A (NM_002133.2); short protein forms L13M.
Identifiers: ClinVar variation 1489593 (VCV001489593.6), dbSNP rs369762159, ClinGen allele CA10204608.